The following is an entry in ClinVar:

ClinVar aggregate classification (germline): Uncertain significance (1 of 4 stars; one submission).

Conditions:
Neutral lipid storage myopathy (NLSDM). Also called: NEUTRAL LIPID STORAGE DISEASE WITHOUT ICHTHYOSIS. Identifiers: Orphanet 98908, MedGen C1853136, MONDO:0012545, OMIM 610717.

Allele frequency attached by ClinVar (database versions not stated): gnomAD exomes below 0.00001.
gnomAD v4.1: 1 of 1,551,148 alleles (0.000064%); highest among the groups gnomAD compares: Non-Finnish European, 0.000087%; no homozygotes.

Submission:

Labcorp Genetics (formerly Invitae), Labcorp
Classification: Uncertain significance for Neutral lipid storage myopathy. Last evaluated: 2022-03-09. Review status: criteria provided, single submitter. Criteria: Invitae Variant Classification Sherloc (09022015). Collection method: clinical testing. Allele origin: germline.
Comment: In summary, the available evidence is currently insufficient to determine the role of this variant in disease. Therefore, it has been classified as a Variant of Uncertain Significance. Algorithms developed to predict the effect of missense changes on protein structure and function are either unavailable or do not agree on the potential impact of this missense change (SIFT: "Tolerated"; PolyPhen-2: "Possibly Damaging"; Align-GVGD: "Class C0"). ClinVar contains an entry for this variant (Variation ID: 835692). This variant has not been reported in the literature in individuals affected with PNPLA2-related conditions. This variant is not present in population databases (gnomAD no frequency). This sequence change replaces aspartic acid, which is acidic and polar, with asparagine, which is neutral and polar, at codon 358 of the PNPLA2 protein (p.Asp358Asn).

NM_020376.4(PNPLA2):c.1072G>A (p.Asp358Asn)

Gene: PNPLA2 (patatin like domain 2, triacylglycerol lipase; plus strand). Cytogenetic location: 11p15.5.
Variant type: single nucleotide variant.
Coding change: c.1072G>A on transcript NM_020376.4 (MANE Select); coding-DNA position 1072, G replaced by A.
Protein change: p.Asp358Asn; replaces aspartic acid 358 with asparagine.
Molecular consequence: missense variant.
Genome position (GRCh38, 1-based): chr11:824,333, G>A. VCF-style: chr11-824333-G-A. GRCh37 (hg19) VCF-style: chr11-824333-G-A.
Other names: short protein forms D358N.
Identifiers: ClinVar variation 835692 (VCV000835692.9), dbSNP rs1845793272, ClinGen allele CA378983873.